The following is an entry in ClinVar:

ClinVar aggregate classification (germline): Conflicting classifications of pathogenicity. Review status: criteria provided, conflicting classifications (1 of 4 stars). 3 submissions from 3 submitters: Uncertain significance (2); Likely benign (1). Last evaluated 2023-03-23.

Conditions:
Hereditary cancer-predisposing syndrome. Also called: Neoplastic Syndromes, Hereditary; Tumor predisposition; Hereditary neoplastic syndrome; Hereditary Cancer Syndrome. Identifiers: Orphanet 140162, MedGen C0027672, MeSH D009386, MONDO:0015356.
Hereditary breast ovarian cancer syndrome. Also called: Hereditary breast and ovarian cancer syndrome; Hereditary breast and ovarian cancer; Hereditary breast and ovarian cancer syndrome (HBOC); Breast and ovarian cancer; Hereditary breast and/or ovarian cancer syndrome; BRCA1- and BRCA2-Associated Hereditary Breast and Ovarian Cancer. Identifiers: Orphanet 145, MedGen C0677776, MeSH D061325, MONDO:0003582. Disease mechanism: loss of function.

Submissions (3):

University of Washington Department of Laboratory Medicine, University of Washington
Classification: Likely benign for Hereditary cancer-predisposing syndrome. Last evaluated: 2023-03-23. Review status: criteria provided, single submitter. Criteria: Dines et al. (Genet Med. 2020). Collection method: curation. Allele origin: germline.
Comment: Missense variant in a coldspot region where missense variants are very unlikely to be pathogenic (PMID:31911673).

BRCA2 exon 11 coldspot. Reclassification based on statistical prior probability.

Labcorp Genetics (formerly Invitae), Labcorp
Classification: Uncertain significance for Hereditary breast ovarian cancer syndrome. Last evaluated: 2022-03-07. Review status: criteria provided, single submitter. Criteria: Invitae Variant Classification Sherloc (09022015). Collection method: clinical testing. Allele origin: germline.
Comment: Advanced modeling of protein sequence and biophysical properties (such as structural, functional, and spatial information, amino acid conservation, physicochemical variation, residue mobility, and thermodynamic stability) performed at Invitae indicates that this missense variant is not expected to disrupt BRCA2 protein function. ClinVar contains an entry for this variant (Variation ID: 825383). This variant has not been reported in the literature in individuals affected with BRCA2-related conditions. This variant is not present in population databases (gnomAD no frequency). This sequence change replaces serine, which is neutral and polar, with isoleucine, which is neutral and non-polar, at codon 1676 of the BRCA2 protein (p.Ser1676Ile). In summary, the available evidence is currently insufficient to determine the role of this variant in disease. Therefore, it has been classified as a Variant of Uncertain Significance.

Ambry Genetics
Classification: Uncertain significance for Hereditary cancer-predisposing syndrome. Last evaluated: 2019-07-10. Review status: criteria provided, single submitter. Criteria: Ambry Variant Classification Scheme 2023. Collection method: clinical testing. Allele origin: germline.
Comment: The p.S1676I variant (also known as c.5027G>T), located in coding exon 10 of the BRCA2 gene, results from a G to T substitution at nucleotide position 5027. The serine at codon 1676 is replaced by isoleucine, an amino acid with dissimilar properties. This amino acid position is not well conserved in available vertebrate species. In addition, the in silico prediction for this alteration is inconclusive. Since supporting evidence is limited at this time, the clinical significance of this alteration remains unclear.

NM_000059.4(BRCA2):c.5027G>T (p.Ser1676Ile)

Gene: BRCA2 (BRCA2 DNA repair associated; plus strand). Cytogenetic location: 13q13.1.
Variant type: single nucleotide variant.
Coding change: c.5027G>T on transcript NM_000059.4 (MANE Select); coding-DNA position 5027, G replaced by T.
Protein change: p.Ser1676Ile; replaces serine 1676 with isoleucine.
Molecular consequence: missense variant.
Genome position (GRCh38, 1-based): chr13:32,339,382, G>T. VCF-style: chr13-32339382-G-T. GRCh37 (hg19) VCF-style: chr13-32913519-G-T.
Other names: short protein forms S1676I.
Identifiers: ClinVar variation 825383 (VCV000825383.14), dbSNP rs876660686, ClinGen allele CA387783975.